The following is an entry in ClinVar:

NM_000275.3(OCA2):c.516-2A>G

Gene: OCA2 (OCA2 melanosomal transmembrane protein; minus strand). Cytogenetic location: 15q13.1.
Variant type: single nucleotide variant.
Coding change: c.516-2A>G on transcript NM_000275.3 (MANE Select); the canonical splice acceptor site of the intron before coding-DNA position 516, A replaced by G.
Molecular consequence: splice acceptor variant.
Genome position (GRCh38, 1-based): chr15:28,024,904, T>C on the plus strand (A>G on the coding strand, the complement: OCA2 is on the minus strand). VCF-style: chr15-28024904-T-C. GRCh37 (hg19) VCF-style: chr15-28270050-T-C.
Other names: c.516-2A>G (NM_001300984.2).
Identifiers: ClinVar variation 2709248 (VCV002709248.4), dbSNP rs2548483829, ClinGen allele CA391361673.

ClinVar aggregate classification (germline): Pathogenic/Likely pathogenic. Review status: criteria provided, multiple submitters, no conflicts (2 of 4 stars). 2 submissions from 2 submitters: Pathogenic (1); Likely pathogenic (1). Last evaluated 2025-09-17.

Conditions:
Tyrosinase-positive oculocutaneous albinism (OCA2). Also called: ALBINISM II; Albinism, oculocutaneous, type II; Oculocutaneous albinism type 2. Identifiers: Orphanet 79432, MedGen C0268495, MONDO:0008746, OMIM 203200.

Submissions (2):

Myriad Genetics, Inc.
Classification: Pathogenic for Tyrosinase-positive oculocutaneous albinism. Last evaluated: 2025-09-17. Review status: criteria provided, single submitter. Criteria: Myriad Autosomal Dominant, Autosomal Recessive and X-Linked Classification Criteria (2023). Collection method: clinical testing. Allele origin: unknown.
Comment: NM_000275.2(OCA2):c.516-2A>G is a variant in a canonical splice site classified as pathogenic in the context of oculocutaneous albinism, OCA2-related. c.516-2A>G has been observed in a case with relevant disease (PMID: 37707835). Relevant functional assessments of this variant are not available in the literature. c.516-2A>G has not been observed in referenced population frequency databases. In summary, NM_000275.2(OCA2):c.516-2A>G is a variant in a canonical splice site in a gene where loss of function is a known mechanism of disease, is predicted to disrupt protein function, and has been observed more frequently in cases with the relevant disease than in healthy populations. Please note: this variant was assessed in the context of healthy population screening.

Labcorp Genetics (formerly Invitae), Labcorp
Classification: Likely pathogenic. Last evaluated: 2024-01-13. Review status: criteria provided, single submitter. Criteria: Invitae Variant Classification Sherloc (09022015). Collection method: clinical testing. Allele origin: germline.
Comment: This sequence change affects an acceptor splice site in intron 4 of the OCA2 gene. It is expected to disrupt RNA splicing. Variants that disrupt the donor or acceptor splice site typically lead to a loss of protein function (PMID: 16199547), and loss-of-function variants in OCA2 are known to be pathogenic (PMID: 19865097, 21541274). This variant is not present in population databases (gnomAD no frequency). This variant has not been reported in the literature in individuals affected with OCA2-related conditions. Algorithms developed to predict the effect of sequence changes on RNA splicing suggest that this variant may disrupt the consensus splice site. In summary, the currently available evidence indicates that the variant is pathogenic, but additional data are needed to prove that conclusively. Therefore, this variant has been classified as Likely Pathogenic.

Literature cited by the submitters: PubMed 37707835 (cited by Myriad Genetics, Inc.); PubMed 16199547 (cited by Labcorp Genetics (formerly Invitae), Labcorp); PubMed 19865097 (cited by Labcorp Genetics (formerly Invitae), Labcorp); PubMed 21541274 (cited by Labcorp Genetics (formerly Invitae), Labcorp).